The following is an entry in ClinVar:

NM_198578.4(LRRK2):c.4442C>T (p.Ala1481Val)

Gene: LRRK2 (leucine rich repeat kinase 2; plus strand). Cytogenetic location: 12q12.
Variant type: single nucleotide variant.
Coding change: c.4442C>T on transcript NM_198578.4 (MANE Select); coding-DNA position 4442, C replaced by T.
Protein change: p.Ala1481Val; replaces alanine 1481 with valine.
Molecular consequence: missense variant.
Genome position (GRCh38, 1-based): chr12:40,310,555, C>T. VCF-style: chr12-40310555-C-T. GRCh37 (hg19) VCF-style: chr12-40704357-C-T.
Other names: short protein forms A1481V.
Identifiers: ClinVar variation 3291979 (VCV003291979.1).

ClinVar aggregate classification (germline): Uncertain significance (1 of 4 stars; one submission).

Conditions:
Inborn genetic diseases. Identifiers: MedGen C0950123, MeSH D030342.

Submission:

Ambry Genetics
Classification: Uncertain significance for Inborn genetic diseases. Last evaluated: 2024-04-27. Review status: criteria provided, single submitter. Criteria: Ambry Variant Classification Scheme 2023. Collection method: clinical testing. Allele origin: germline.
Comment: The p.A1481V variant (also known as c.4442C>T), located in coding exon 31 of the LRRK2 gene, results from a C to T substitution at nucleotide position 4442. The alanine at codon 1481 is replaced by valine, an amino acid with similar properties. This amino acid position is conserved. In addition, this alteration is predicted to be tolerated by in silico analysis. Based on the available evidence, the clinical significance of this variant remains unclear.